The following is an entry in ClinVar:

ClinVar aggregate classification (germline): Uncertain significance (1 of 4 stars; one submission).

Allele frequency attached by ClinVar (database versions not stated): gnomAD 0.00001; ExAC 0.00002; gnomAD exomes 0.00002.
gnomAD v4.1: 29 of 1,605,896 alleles (0.0018%); highest among the groups gnomAD compares: Non-Finnish European, 0.0024%; no homozygotes.

Submission:

Labcorp Genetics (formerly Invitae), Labcorp
Classification: Uncertain significance. Last evaluated: 2023-02-01. Review status: criteria provided, single submitter. Criteria: Invitae Variant Classification Sherloc (09022015). Collection method: clinical testing. Allele origin: germline.
Comment: This variant has not been reported in the literature in individuals affected with MYO18B-related conditions. An algorithm developed to predict the effect of missense changes on protein structure and function (PolyPhen-2) suggests that this variant is likely to be disruptive. In summary, the available evidence is currently insufficient to determine the role of this variant in disease. Therefore, it has been classified as a Variant of Uncertain Significance. The frequency data for this variant in the population databases is considered unreliable, as metrics indicate poor data quality at this position in the gnomAD database. This sequence change replaces glutamic acid, which is acidic and polar, with glycine, which is neutral and non-polar, at codon 1779 of the MYO18B protein (p.Glu1779Gly).

NM_032608.7(MYO18B):c.5336A>G (p.Glu1779Gly)

Gene: MYO18B (myosin XVIIIB; plus strand). Cytogenetic location: 22q12.1.
Variant type: single nucleotide variant.
Coding change: c.5336A>G on transcript NM_032608.7 (MANE Select); coding-DNA position 5336, A replaced by G.
Protein change: p.Glu1779Gly; replaces glutamic acid 1779 with glycine.
Molecular consequence: missense variant.
Genome position (GRCh38, 1-based): chr22:25,911,022, A>G. VCF-style: chr22-25911022-A-G. GRCh37 (hg19) VCF-style: chr22-26306989-A-G.
Other names: c.5339A>G, p.Glu1780Gly (NM_001318245.2); short protein forms E1779G, E1780G.
Identifiers: ClinVar variation 3021142 (VCV003021142.3), dbSNP rs781479503, ClinGen allele CA10161136.